The following is an entry in ClinVar:

ClinVar aggregate classification (germline): Likely benign. Review status: criteria provided, multiple submitters, no conflicts (2 of 4 stars). 2 submissions from 2 submitters: Likely benign (2). Last evaluated 2026-01-05.

Conditions:
Sulfite oxidase deficiency due to molybdenum cofactor deficiency type A. Also called: Molybdenum Cofactor Deficiency A; Molybdenum cofactor deficiency, complementation group A. Identifiers: Orphanet 308386, Orphanet 833, MedGen C1854988, MONDO:0009643, OMIM 252150.
MOCS1-related disorder. Also called: MOCS1-related condition.

Allele frequency attached by ClinVar (database versions not stated): gnomAD exomes 0.00001 and 0.00003; ExAC 0.00003; gnomAD 0.00009; TOPMed 0.00015.

Submissions (2):

Labcorp Genetics (formerly Invitae), Labcorp
Classification: Likely benign for Sulfite oxidase deficiency due to molybdenum cofactor deficiency type A. Last evaluated: 2026-01-05. Review status: criteria provided, single submitter. Criteria: Invitae Variant Classification Sherloc (09022015). Collection method: clinical testing. Allele origin: germline.

PreventionGenetics, part of Exact Sciences
Classification: Likely benign for MOCS1-related condition. Last evaluated: 2025-09-09. Review status: criteria provided, single submitter. Criteria: ACMG Guidelines, 2015. Collection method: clinical testing. Allele origin: germline.
Comment: This variant is classified as likely benign based on ACMG/AMP sequence variant interpretation guidelines (Richards et al. 2015 PMID: 25741868, with internal and published modifications).

NM_001358530.2(MOCS1):c.171C>T (p.Phe57=)

Gene: MOCS1 (molybdenum cofactor synthesis 1; minus strand). Cytogenetic location: 6p21.2.
Variant type: single nucleotide variant.
Coding change: c.171C>T on transcript NM_001358530.2 (MANE Select); coding-DNA position 171, C replaced by T.
Protein change: p.Phe57=; no amino-acid change (phenylalanine 57 retained).
Molecular consequence: synonymous variant. On other transcripts: 5 prime UTR variant (1), intron variant (2).
Genome position (GRCh38, 1-based): chr6:39,927,408, G>A on the plus strand (C>T on the coding strand, the complement: MOCS1 is on the minus strand). VCF-style: chr6-39927408-G-A. GRCh37 (hg19) VCF-style: chr6-39895147-G-A.
Other names: c.171C>T, p.Phe57= (NM_001075098.4, NM_001358529.2, NM_005943.6); c.-91C>T (NM_001358534.2); c.-11-1563C>T (NM_001358531.2, NM_001358533.2); c.171C>T (NM_005943.5).
Identifiers: ClinVar variation 1095332 (VCV001095332.10), dbSNP rs56286052, ClinGen allele CA3796418.